The following is an entry in ClinVar:

NM_006767.4(LZTR1):c.1796T>C (p.Leu599Pro)

Gene: LZTR1 (leucine zipper like post translational regulator 1; plus strand). Cytogenetic location: 22q11.21.
Variant type: single nucleotide variant.
Coding change: c.1796T>C on transcript NM_006767.4 (MANE Select); coding-DNA position 1796, T replaced by C.
Protein change: p.Leu599Pro; replaces leucine 599 with proline.
Molecular consequence: missense variant.
Genome position (GRCh38, 1-based): chr22:20,994,880, T>C. VCF-style: chr22-20994880-T-C. GRCh37 (hg19) VCF-style: chr22-21349169-T-C.
Other names: short protein forms L599P.
Identifiers: ClinVar variation 3993587 (VCV003993587.1).

ClinVar aggregate classification (germline): Uncertain significance (1 of 4 stars; one submission).

Conditions:
Cardiovascular phenotype. Identifiers: MedGen CN230736.
Hereditary cancer-predisposing syndrome. Also called: Tumor predisposition; Hereditary neoplastic syndrome; Neoplastic Syndromes, Hereditary; Hereditary Cancer Syndrome. Identifiers: Orphanet 140162, MedGen C0027672, MeSH D009386, MONDO:0015356.

Submission:

Ambry Genetics
Classification: Uncertain significance for Cardiovascular phenotype; Hereditary cancer-predisposing syndrome. Last evaluated: 2025-05-16. Review status: criteria provided, single submitter. Criteria: Ambry Variant Classification Scheme 2023. Collection method: clinical testing. Allele origin: germline.
Comment: The p.L599P variant (also known as c.1796T>C), located in coding exon 16 of the LZTR1 gene, results from a T to C substitution at nucleotide position 1796. The leucine at codon 599 is replaced by proline, an amino acid with similar properties. This amino acid position is conserved. In addition, this alteration is predicted to be deleterious by in silico analysis. Based on the available evidence, the clinical significance of this variant remains unclear.